The following is an entry in ClinVar:

NM_002454.3(MTRR):c.1020C>A (p.Cys340Ter)

Gene: MTRR (5-methyltetrahydrofolate-homocysteine methyltransferase reductase; plus strand). Cytogenetic location: 5p15.31.
Variant type: single nucleotide variant.
Coding change: c.1020C>A on transcript NM_002454.3 (MANE Select); coding-DNA position 1020, C replaced by A.
Protein change: p.Cys340Ter; replaces cysteine 340 with a stop codon.
Molecular consequence: nonsense. On other transcripts: non-coding transcript variant (14).
Genome position (GRCh38, 1-based): chr5:7,885,817, C>A. VCF-style: chr5-7885817-C-A. GRCh37 (hg19) VCF-style: chr5-7885930-C-A.
Other names: c.1020C>A, p.Cys340Ter (NM_001364440.2, NM_001364441.2, NM_001364442.2 and 1 more transcripts); short protein forms C340*.
Identifiers: ClinVar variation 2040134 (VCV002040134.4), dbSNP rs201348649, ClinGen allele CA359157991.

ClinVar aggregate classification (germline): Pathogenic (1 of 4 stars; one submission).

Conditions:
Methylcobalamin deficiency type cblE (HMAE). Also called: HOMOCYSTINURIA-MEGALOBLASTIC ANEMIA, cblE TYPE; HOMOCYSTINURIA-MEGALOBLASTIC ANEMIA, cblE COMPLEMENTATION TYPE; VITAMIN B12-RESPONSIVE HOMOCYSTINURIA, cblE TYPE. Identifiers: Orphanet 2169, Orphanet 622, MedGen C1856057, MONDO:0009354, OMIM 236270.

Submission:

Labcorp Genetics (formerly Invitae), Labcorp
Classification: Pathogenic for Methylcobalamin deficiency type cblE. Last evaluated: 2021-12-19. Review status: criteria provided, single submitter. Criteria: Invitae Variant Classification Sherloc (09022015). Collection method: clinical testing. Allele origin: germline.
Comment: This sequence change creates a premature translational stop signal (p.Cys340*) in the MTRR gene. It is expected to result in an absent or disrupted protein product. Loss-of-function variants in MTRR are known to be pathogenic (PMID: 15714522). This variant is not present in population databases (gnomAD no frequency). For these reasons, this variant has been classified as Pathogenic. This variant has not been reported in the literature in individuals affected with MTRR-related conditions.

Literature cited by the submitters: PubMed 15714522.